The following is an entry in ClinVar:

ClinVar aggregate classification (germline): Uncertain significance (1 of 4 stars; one submission).

Submission:

GeneDx
Classification: Uncertain significance. Last evaluated: 2026-04-12. Review status: criteria provided, single submitter. Criteria: GeneDx Variant Classification Process June 2021. Collection method: clinical testing. Allele origin: germline.
Comment: Not observed at significant frequency in large population cohorts (gnomAD); Has not been previously published as pathogenic or benign to our knowledge; In silico analysis is inconclusive as to whether the variant alters gene splicing. In the absence of RNA/functional studies, the actual effect of this sequence change is unknown.

NM_152296.5(ATP1A3):c.2688+5G>A

Gene: ATP1A3 (ATPase Na+/K+ transporting subunit alpha 3; minus strand). Cytogenetic location: 19q13.2.
Variant type: single nucleotide variant.
Coding change: c.2688+5G>A on transcript NM_152296.5 (MANE Select); 5 bases into the intron after coding-DNA position 2688, G replaced by A.
Molecular consequence: intron variant.
Genome position (GRCh38, 1-based): chr19:41,969,430, C>T on the plus strand (G>A on the coding strand, the complement: ATP1A3 is on the minus strand). VCF-style: chr19-41969430-C-T. GRCh37 (hg19) VCF-style: chr19-42473582-C-T.
Other names: c.2727+5G>A (NM_001256214.2); c.2721+5G>A (NM_001256213.2).
Identifiers: ClinVar variation 5018299 (VCV005018299.1).